The following is an entry in ClinVar:

NM_001206927.2(DNAH8):c.2096G>A (p.Arg699His)

Gene: DNAH8 (dynein axonemal heavy chain 8; plus strand). Cytogenetic location: 6p21.2.
Variant type: single nucleotide variant.
Coding change: c.2096G>A on transcript NM_001206927.2 (MANE Select); coding-DNA position 2096, G replaced by A.
Protein change: p.Arg699His; replaces arginine 699 with histidine.
Molecular consequence: missense variant.
Genome position (GRCh38, 1-based): chr6:38,780,022, G>A. VCF-style: chr6-38780022-G-A. GRCh37 (hg19) VCF-style: chr6-38747798-G-A.
Other names: c.1445G>A, p.Arg482His (NM_001371.4); short protein forms R482H, R699H.
Identifiers: ClinVar variation 656961 (VCV000656961.8), dbSNP rs141983502, ClinGen allele CA3788411.

ClinVar aggregate classification (germline): Uncertain significance. Review status: criteria provided, multiple submitters, no conflicts (2 of 4 stars). 3 submissions from 3 submitters: Uncertain significance (2). 1 of the submissions does not count toward it. Last evaluated 2022-09-01.

Conditions:
Primary ciliary dyskinesia. Also called: Ciliary dyskinesia. Identifiers: Orphanet 244, MedGen C0008780, MONDO:0016575, HP:0012265.
DNAH8-related disorder. Also called: DNAH8-related condition.

Allele frequency attached by ClinVar (database versions not stated): gnomAD exomes 0.00007 and 0.00016; ExAC 0.00021; 1000 Genomes Project 0.00060; gnomAD 0.00061 and 0.00067; 1000 Genomes Project 30x 0.00062; TOPMed 0.00068; ESP Exome Variant Server 0.00085.

Submissions (3):

Labcorp Genetics (formerly Invitae), Labcorp
Classification: Uncertain significance for Primary ciliary dyskinesia. Last evaluated: 2022-09-01. Review status: criteria provided, single submitter. Criteria: Invitae Variant Classification Sherloc (09022015). Collection method: clinical testing. Allele origin: germline.
Comment: This sequence change replaces arginine, which is basic and polar, with histidine, which is basic and polar, at codon 699 of the DNAH8 protein (p.Arg699His). This variant is present in population databases (rs141983502, gnomAD 0.2%). This variant has not been reported in the literature in individuals affected with DNAH8-related conditions. ClinVar contains an entry for this variant (Variation ID: 656961). Algorithms developed to predict the effect of missense changes on protein structure and function are either unavailable or do not agree on the potential impact of this missense change (SIFT: "Tolerated"; PolyPhen-2: "Not Available"; Align-GVGD: "Class C0"). In summary, the available evidence is currently insufficient to determine the role of this variant in disease. Therefore, it has been classified as a Variant of Uncertain Significance.

Breakthrough Genomics
Classification: Uncertain significance. Review status: criteria provided, single submitter. Criteria: ACMG Guidelines, 2015. Collection method: not provided. Allele origin: germline. Inheritance: Autosomal recessive inheritance. Affected: yes.

PreventionGenetics, part of Exact Sciences
Classification: Likely benign for DNAH8-related condition. Last evaluated: 2022-12-27. Review status: no assertion criteria provided. Collection method: clinical testing. Allele origin: germline. Not counted in ClinVar's aggregate classification.
Comment: This variant is classified as likely benign based on ACMG/AMP sequence variant interpretation guidelines (Richards et al. 2015 PMID: 25741868, with internal and published modifications).